The following is an entry in ClinVar:

NM_005677.4(COLQ):c.1102A>G (p.Thr368Ala)

Gene: COLQ (collagen like tail subunit of asymmetric acetylcholinesterase; minus strand). Cytogenetic location: 3p25.1.
Variant type: single nucleotide variant.
Coding change: c.1102A>G on transcript NM_005677.4 (MANE Select); coding-DNA position 1102, A replaced by G.
Protein change: p.Thr368Ala; replaces threonine 368 with alanine.
Molecular consequence: missense variant.
Genome position (GRCh38, 1-based): chr3:15,455,992, T>C on the plus strand (A>G on the coding strand, the complement: COLQ is on the minus strand). VCF-style: chr3-15455992-T-C. GRCh37 (hg19) VCF-style: chr3-15497499-T-C.
Other names: c.1072A>G, p.Thr358Ala (NM_080538.2); c.1000A>G, p.Thr334Ala (NM_080539.4); short protein forms T358A, T368A, T334A.
Identifiers: ClinVar variation 1504725 (VCV001504725.8), dbSNP rs2062019023, ClinGen allele CA351596482.

ClinVar aggregate classification (germline): Uncertain significance (1 of 4 stars; one submission).

Conditions:
Congenital myasthenic syndrome 5. Identifiers: Orphanet 590, MedGen C1864233, MONDO:0011281, OMIM 603034.

Allele frequency attached by ClinVar (database versions not stated): gnomAD exomes below 0.00001.
gnomAD v4.1: 2 of 1,613,976 alleles (0.00012%); highest among the groups gnomAD compares: Non-Finnish European, 0.00017%; no homozygotes.

Submission:

Labcorp Genetics (formerly Invitae), Labcorp
Classification: Uncertain significance for Congenital myasthenic syndrome 5. Last evaluated: 2021-01-26. Review status: criteria provided, single submitter. Criteria: Invitae Variant Classification Sherloc (09022015). Collection method: clinical testing. Allele origin: germline.
Comment: Algorithms developed to predict the effect of missense changes on protein structure and function output the following: SIFT: "Tolerated"; PolyPhen-2: "Not Available"; Align-GVGD: "Class C0". The alanine amino acid residue is found in multiple mammalian species, suggesting that this missense change does not adversely affect protein function. These predictions have not been confirmed by published functional studies and their clinical significance is uncertain. This variant has not been reported in the literature in individuals with COLQ-related conditions. This variant is not present in population databases (ExAC no frequency). This sequence change replaces threonine with alanine at codon 368 of the COLQ protein (p.Thr368Ala). The threonine residue is weakly conserved and there is a small physicochemical difference between threonine and alanine. In summary, the available evidence is currently insufficient to determine the role of this variant in disease. Therefore, it has been classified as a Variant of Uncertain Significance.